The following is an entry in ClinVar:

NM_000789.4(ACE):c.140A>G (p.Gln47Arg)

Gene: ACE (angiotensin I converting enzyme; plus strand). Cytogenetic location: 17q23.3.
Variant type: single nucleotide variant.
Coding change: c.140A>G on transcript NM_000789.4 (MANE Select); coding-DNA position 140, A replaced by G.
Protein change: p.Gln47Arg; replaces glutamine 47 with arginine.
Molecular consequence: missense variant.
Genome position (GRCh38, 1-based): chr17:63,477,234, A>G. VCF-style: chr17-63477234-A-G. GRCh37 (hg19) VCF-style: chr17-61554595-A-G.
Other names: short protein forms Q47R.
Identifiers: ClinVar variation 890393 (VCV000890393.10), dbSNP rs767353320, ClinGen allele CA8698950.

ClinVar aggregate classification (germline): Conflicting classifications of pathogenicity. Review status: criteria provided, conflicting classifications (1 of 4 stars). 3 submissions from 3 submitters: Uncertain significance (1); Likely benign (1). 1 of the submissions does not count toward it. Last evaluated 2024-06-03.

Conditions:
ACE-related disorder. Also called: ACE-related condition; ACE-related disorders.
Renal tubular dysgenesis. Also called: Renotubular dysgenesis. Identifiers: Orphanet 3033, MedGen C0266313, MONDO:0017609, HP:0008660.

Allele frequency attached by ClinVar (database versions not stated): gnomAD 0.00001; gnomAD exomes 0.00001 and 0.00007; 1000 Genomes Project 30x 0.00016; TOPMed 0.00002; ExAC 0.00012.
gnomAD v4.1: 12 of 1,501,666 alleles (0.0008%); highest among the groups gnomAD compares: East Asian, 0.023%; no homozygotes.

Submissions (3):

Labcorp Genetics (formerly Invitae), Labcorp
Classification: Uncertain significance. Last evaluated: 2024-06-03. Review status: criteria provided, single submitter. Criteria: Invitae Variant Classification Sherloc (09022015). Collection method: clinical testing. Allele origin: germline.
Comment: This sequence change replaces glutamine, which is neutral and polar, with arginine, which is basic and polar, at codon 47 of the ACE protein (p.Gln47Arg). The frequency data for this variant in the population databases is considered unreliable, as metrics indicate poor data quality at this position in the gnomAD database. This variant has not been reported in the literature in individuals affected with ACE-related conditions. ClinVar contains an entry for this variant (Variation ID: 890393). Algorithms developed to predict the effect of missense changes on protein structure and function output the following: SIFT: "Not Available"; PolyPhen-2: "Benign"; Align-GVGD: "Not Available". The arginine amino acid residue is found in multiple mammalian species, which suggests that this missense change does not adversely affect protein function. In summary, the available evidence is currently insufficient to determine the role of this variant in disease. Therefore, it has been classified as a Variant of Uncertain Significance.

Illumina Laboratory Services, Illumina
Classification: Likely benign for Renal tubular dysgenesis of genetic origin. Last evaluated: 2018-01-13. Review status: criteria provided, single submitter. Criteria: ICSL Variant Classification Criteria 13 December 2019. Collection method: clinical testing. Allele origin: germline.
Comment: This variant was observed in the ICSL laboratory as part of a predisposition screen in an ostensibly healthy population. It had not been previously curated by ICSL or reported in the Human Gene Mutation Database (HGMD: prior to June 1st, 2018), and was therefore a candidate for classification through an automated scoring system. Utilizing variant allele frequency, disease prevalence and penetrance estimates, and inheritance mode, an automated score was calculated to assess if this variant is too frequent to cause the disease. Based on the score and internal cut-off values, a variant classified as likely benign is not then subjected to further curation. The score for this variant resulted in a classification of likely benign for this disease.

PreventionGenetics, part of Exact Sciences
Classification: Likely benign for ACE-related condition. Last evaluated: 2022-05-17. Review status: no assertion criteria provided. Collection method: clinical testing. Allele origin: germline. Not counted in ClinVar's aggregate classification.
Comment: This variant is classified as likely benign based on ACMG/AMP sequence variant interpretation guidelines (Richards et al. 2015 PMID: 25741868, with internal and published modifications).